The following is an entry in ClinVar:

ClinVar aggregate classification (germline): Uncertain significance (1 of 4 stars; one submission).

Allele frequency attached by ClinVar (database versions not stated): gnomAD exomes below 0.00001.
gnomAD v4.1: 5 of 1,607,950 alleles (0.00031%); highest among the groups gnomAD compares: Admixed American, 0.0034%; no homozygotes.

Submission:

CeGaT Center for Human Genetics Tuebingen
Classification: Uncertain significance. Last evaluated: 2023-10-01. Review status: criteria provided, single submitter. Criteria: CeGaT Center For Human Genetics Tuebingen Variant Classification Criteria Version 2. Collection method: clinical testing. Allele origin: germline. Affected: yes. Observed: 1 variant allele.
Comment: MYOM3: PM2

NM_152372.4(MYOM3):c.2586+1G>A

Gene: MYOM3 (myomesin 3; minus strand). Cytogenetic location: 1p36.11.
Variant type: single nucleotide variant.
Coding change: c.2586+1G>A on transcript NM_152372.4 (MANE Select); the canonical splice donor site of the intron after coding-DNA position 2586, G replaced by A.
Molecular consequence: splice donor variant.
Genome position (GRCh38, 1-based): chr1:24,080,015, C>T on the plus strand (G>A on the coding strand, the complement: MYOM3 is on the minus strand). VCF-style: chr1-24080015-C-T. GRCh37 (hg19) VCF-style: chr1-24406505-C-T.
Identifiers: ClinVar variation 2638490 (VCV002638490.24), dbSNP rs1643646877, ClinGen allele CA339027875.